The following is an entry in ClinVar:

ClinVar aggregate classification (germline): Uncertain significance. Review status: criteria provided, multiple submitters, no conflicts (2 of 4 stars). 2 submissions from 2 submitters: Uncertain significance (2). Last evaluated 2024-03-14.

Conditions:
Hereditary cancer-predisposing syndrome. Also called: Hereditary Cancer Syndrome; Hereditary neoplastic syndrome; Tumor predisposition; Neoplastic Syndromes, Hereditary. Identifiers: Orphanet 140162, MedGen C0027672, MeSH D009386, MONDO:0015356.
Hereditary breast ovarian cancer syndrome. Also called: BRCA1- and BRCA2-Associated Hereditary Breast and Ovarian Cancer; Hereditary breast and ovarian cancer syndrome; Breast and ovarian cancer; Hereditary breast and ovarian cancer; Hereditary breast and ovarian cancer syndrome (HBOC); Hereditary breast and/or ovarian cancer syndrome. Identifiers: Orphanet 145, MedGen C0677776, MeSH D061325, MONDO:0003582. Disease mechanism: loss of function.

Submissions (2):

Ambry Genetics
Classification: Uncertain significance for Hereditary cancer-predisposing syndrome. Last evaluated: 2024-03-14. Review status: criteria provided, single submitter. Criteria: Ambry Variant Classification Scheme 2023. Collection method: clinical testing. Allele origin: germline.
Comment: The p.T1325A variant (also known as c.3973A>G), located in coding exon 10 of the BRCA2 gene, results from an A to G substitution at nucleotide position 3973. The threonine at codon 1325 is replaced by alanine, an amino acid with similar properties. This amino acid position is conserved. In addition, this alteration is predicted to be tolerated by in silico analysis. Based on the available evidence, the clinical significance of this alteration remains unclear.

Labcorp Genetics (formerly Invitae), Labcorp
Classification: Uncertain significance for Hereditary breast ovarian cancer syndrome. Last evaluated: 2022-10-25. Review status: criteria provided, single submitter. Criteria: Invitae Variant Classification Sherloc (09022015). Collection method: clinical testing. Allele origin: germline.
Comment: In summary, the available evidence is currently insufficient to determine the role of this variant in disease. Therefore, it has been classified as a Variant of Uncertain Significance. Advanced modeling of protein sequence and biophysical properties (such as structural, functional, and spatial information, amino acid conservation, physicochemical variation, residue mobility, and thermodynamic stability) performed at Invitae indicates that this missense variant is not expected to disrupt BRCA2 protein function. This variant has not been reported in the literature in individuals affected with BRCA2-related conditions. This variant is not present in population databases (gnomAD no frequency). This sequence change replaces threonine, which is neutral and polar, with alanine, which is neutral and non-polar, at codon 1325 of the BRCA2 protein (p.Thr1325Ala).

NM_000059.4(BRCA2):c.3973A>G (p.Thr1325Ala)

Gene: BRCA2 (BRCA2 DNA repair associated; plus strand). Cytogenetic location: 13q13.1.
Variant type: single nucleotide variant.
Coding change: c.3973A>G on transcript NM_000059.4 (MANE Select); coding-DNA position 3973, A replaced by G.
Protein change: p.Thr1325Ala; replaces threonine 1325 with alanine.
Molecular consequence: missense variant. On other transcripts: non-coding transcript variant (1), intron variant (2).
Genome position (GRCh38, 1-based): chr13:32,338,328, A>G. VCF-style: chr13-32338328-A-G. GRCh37 (hg19) VCF-style: chr13-32912465-A-G.
Other names: c.3973A>G, p.Thr1325Ala (NM_001406719.1, NM_001406720.1); c.1909+4941A>G (NM_001406721.1); c.425-6230A>G (NM_001406722.1); short protein forms T1325A.
Identifiers: ClinVar variation 2884057 (VCV002884057.4), dbSNP rs2137501705, ClinGen allele CA387778940.